The following is an entry in ClinVar:

NM_000219.6(KCNE1):c.334C>T (p.His112Tyr)

Gene: KCNE1 (potassium voltage-gated channel subfamily E regulatory subunit 1; minus strand). Cytogenetic location: 21q22.12.
Variant type: single nucleotide variant.
Coding change: c.334C>T on transcript NM_000219.6 (MANE Select); coding-DNA position 334, C replaced by T.
Protein change: p.His112Tyr; replaces histidine 112 with tyrosine.
Molecular consequence: missense variant.
Genome position (GRCh38, 1-based): chr21:34,449,301, G>A on the plus strand (C>T on the coding strand, the complement: KCNE1 is on the minus strand). VCF-style: chr21-34449301-G-A. GRCh37 (hg19) VCF-style: chr21-35821599-G-A.
Other names: c.334C>T, p.His112Tyr (NM_001127668.4, NM_001127669.4, NM_001127670.4 and 4 more transcripts); short protein forms H112Y.
Identifiers: ClinVar variation 3374671 (VCV003374671.2).

Conditions:
Long QT syndrome 5 (LQT5). Identifiers: Orphanet 101016, Orphanet 768, MedGen C1867904, MONDO:0013372, OMIM 613695.

Submission:

Roden Lab, Vanderbilt University Medical Center
No classification provided (evidence only). Condition: Long QT syndrome 5. Review status: no classification provided. Collection method: in vitro. Allele origin: not applicable. Functional consequence: Effect on ion channel function.
ClinVar note: "not provided" was previously submitted as the classification for the variant. However, the classification appeared to be based only on an observation of functional data so it was converted to no classification on 2025-07-30.